The following is an entry in ClinVar:

ClinVar aggregate classification (germline): Conflicting classifications of pathogenicity. Review status: criteria provided, conflicting classifications (1 of 4 stars). 2 submissions from 2 submitters: Uncertain significance (1); Likely benign (1). Last evaluated 2024-03-25.

Allele frequency attached by ClinVar (database versions not stated): gnomAD exomes below 0.00001.
gnomAD v4.1: 2 of 1,614,150 alleles (0.00012%); highest among the groups gnomAD compares: Non-Finnish European, 0.00017%; no homozygotes.

Submissions (2):

Ambry Genetics
Classification: Likely benign. Last evaluated: 2024-03-25. Review status: criteria provided, single submitter. Criteria: Ambry Variant Classification Scheme 2023. Collection method: clinical testing. Allele origin: germline.

Labcorp Genetics (formerly Invitae), Labcorp
Classification: Uncertain significance. Last evaluated: 2022-04-29. Review status: criteria provided, single submitter. Criteria: Invitae Variant Classification Sherloc (09022015). Collection method: clinical testing. Allele origin: germline.
Comment: In summary, the available evidence is currently insufficient to determine the role of this variant in disease. Therefore, it has been classified as a Variant of Uncertain Significance. Algorithms developed to predict the effect of missense changes on protein structure and function output the following: SIFT: "Tolerated"; PolyPhen-2: "Benign"; Align-GVGD: "Class C0". The glycine amino acid residue is found in multiple mammalian species, which suggests that this missense change does not adversely affect protein function. ClinVar contains an entry for this variant (Variation ID: 1025915). This variant has not been reported in the literature in individuals affected with ABRAXAS1-related conditions. This variant is not present in population databases (gnomAD no frequency). This sequence change replaces serine, which is neutral and polar, with glycine, which is neutral and non-polar, at codon 376 of the ABRAXAS1 protein (p.Ser376Gly).

NM_139076.3(ABRAXAS1):c.1126A>G (p.Ser376Gly)

Gene: ABRAXAS1 (abraxas 1, BRCA1 A complex subunit; minus strand). Cytogenetic location: 4q21.23.
Variant type: single nucleotide variant.
Coding change: c.1126A>G on transcript NM_139076.3 (MANE Select); coding-DNA position 1126, A replaced by G.
Protein change: p.Ser376Gly; replaces serine 376 with glycine.
Molecular consequence: missense variant.
Genome position (GRCh38, 1-based): chr4:83,462,573, T>C on the plus strand (A>G on the coding strand, the complement: ABRAXAS1 is on the minus strand). VCF-style: chr4-83462573-T-C. GRCh37 (hg19) VCF-style: chr4-84383726-T-C.
Other names: c.799A>G, p.Ser267Gly (NM_001345962.2); short protein forms S267G, S376G.
Identifiers: ClinVar variation 1025915 (VCV001025915.11), dbSNP rs1722161264, ClinGen allele CA357255082.
Genomic context (GRCh38, chr4:83,462,573, plus strand): 5'-TTTCAATTTCTTCATCTGTTTCTGGGCTGCTCATTTTGGATGCTTTATCTTGGTTACTAC[T>C]ACCAGTATCTGCTTTAGATCGTTTGTCTTGTGTATCTAACAACCGAGATCTCTTGAATTG-3'
Protein context (NP_620775.2, residues 366-386): QDKRSKADTG[Ser376Gly]SNQDKASKMS